The following is an entry in ClinVar:

ClinVar aggregate classification (germline): Pathogenic (1 of 4 stars; one submission).

Conditions:
Mucopolysaccharidosis, MPS-II (MPS2). Also called: Hunter Syndrome; IDURONATE 2-SULFATASE DEFICIENCY; Mucopolysaccharidosis Type II; Mucopolysaccharidosis type 2; Attenuated MPS (subtype; formerly known as mild MPS II); Severe MPS II. Identifiers: Orphanet 580, Orphanet 79388, MedGen C0026705, MONDO:0010674, OMIM 309900.

Submission:

Laboratory of Diagnosis and Therapy of Lysosomal Disorders, University of Padova
Classification: Pathogenic for Mucopolysaccharidosis, MPS-II. Last evaluated: 2024-06-07. Review status: criteria provided, single submitter. Criteria: ACMG Guidelines, 2015. Collection method: literature only. Allele origin: germline. Affected: yes. Observed: 4 variant alleles.
Comment: In vitro or in vivo functional studies supportive of a damaging effect (PS3_Strong), Absent from controls (or at low frequency) in gnomAD database (PM2_Moderate), Missense variant in a gene with a low rate of benign missense variation (PP2_Supporting), Multiple lines of computational evidence support a deleterious effect (PP3_Supporting), Patient’s phenotype or family history highly specific for the disease (PP4_Moderate)

Classification method: ACMG Guidelines [PMID:25741868] with modifications

Literature cited by the submitters: PubMed 31877959; PubMed 9875019; PubMed 36945845.

NM_000202.8(IDS):c.797C>G (p.Pro266Arg)

Genes: IDS (iduronate 2-sulfatase; minus strand), LOC106050102 (IDS recombination region; plus strand). Cytogenetic location: Xq28.
Variant type: single nucleotide variant.
Coding change: c.797C>G on transcript NM_000202.8 (MANE Select); coding-DNA position 797, C replaced by G.
Protein change: p.Pro266Arg; replaces proline 266 with arginine.
Molecular consequence: missense variant. On other transcripts: non-coding transcript variant (1).
Genome position (GRCh38, 1-based): chrX:149,496,428, G>C on the plus strand (C>G on the coding strand, the complement: IDS is on the minus strand). VCF-style: chrX-149496428-G-C. GRCh37 (hg19) VCF-style: chrX-148577959-G-C.
Other names: c.527C>G, p.Pro176Arg (NM_001166550.4); c.797C>G, p.Pro266Arg (NM_006123.5); short protein forms P176R, P266R.
Identifiers: ClinVar variation 3255843 (VCV003255843.2).